The following is an entry in ClinVar:

NM_182493.3(MYLK3):c.1906G>A (p.Asp636Asn)

Gene: MYLK3 (myosin light chain kinase 3; minus strand). Cytogenetic location: 16q11.2.
Variant type: single nucleotide variant.
Coding change: c.1906G>A on transcript NM_182493.3 (MANE Select); coding-DNA position 1906, G replaced by A.
Protein change: p.Asp636Asn; replaces aspartic acid 636 with asparagine.
Molecular consequence: missense variant.
Genome position (GRCh38, 1-based): chr16:46,727,244, C>T on the plus strand (G>A on the coding strand, the complement: MYLK3 is on the minus strand). VCF-style: chr16-46727244-C-T. GRCh37 (hg19) VCF-style: chr16-46761156-C-T.
Other names: c.883G>A, p.Asp295Asn (NM_001308301.1); short protein forms D636N, D295N.
Identifiers: ClinVar variation 4735919 (VCV004735919.1).

ClinVar aggregate classification (germline): Uncertain significance (1 of 4 stars; one submission).

Submission:

Labcorp Genetics (formerly Invitae), Labcorp
Classification: Uncertain significance. Last evaluated: 2026-01-23. Review status: criteria provided, single submitter. Criteria: Invitae Variant Classification Sherloc (09022015). Collection method: clinical testing. Allele origin: germline.
Comment: This sequence change replaces aspartic acid, which is acidic and polar, with asparagine, which is neutral and polar, at codon 636 of the MYLK3 protein (p.Asp636Asn). This variant is not present in population databases (gnomAD no frequency). This variant has not been reported in the literature in individuals affected with MYLK3-related conditions. An algorithm developed to predict the effect of missense changes on protein structure and function (PolyPhen-2) suggests that this variant is likely to be disruptive. In summary, the available evidence is currently insufficient to determine the role of this variant in disease. Therefore, it has been classified as a Variant of Uncertain Significance.